The following is an entry in ClinVar:

ClinVar aggregate classification (germline): Likely pathogenic. Review status: criteria provided, multiple submitters, no conflicts (2 of 4 stars). 2 submissions from 2 submitters: Likely pathogenic (2). Last evaluated 2025-11-04.

Conditions:
Nephrotic syndrome, type 3 (NPHS3). Also called: NEPHROTIC SYNDROME, EARLY-ONSET, TYPE 3. Identifiers: Orphanet 656, MedGen C1853124, MONDO:0012546, OMIM 610725.

gnomAD v4.1: 1 of 1,614,060 alleles (0.000062%); highest among the groups gnomAD compares: African/African-American, 0.0013%; no homozygotes.

Submissions (2):

Labcorp Genetics (formerly Invitae), Labcorp
Classification: Likely pathogenic. Last evaluated: 2025-11-04. Review status: criteria provided, single submitter. Criteria: Invitae Variant Classification Sherloc (09022015). Collection method: clinical testing. Allele origin: germline.
Comment: This sequence change affects a donor splice site in intron 28 of the PLCE1 gene. It is expected to disrupt RNA splicing. Variants that disrupt the donor or acceptor splice site typically lead to a loss of protein function (PMID: 16199547), and loss-of-function variants in PLCE1 are known to be pathogenic (PMID: 17086182, 20591883). This variant is not present in population databases (gnomAD no frequency). This variant has not been reported in the literature in individuals affected with PLCE1-related conditions. ClinVar contains an entry for this variant (Variation ID: 3598720). Algorithms developed to predict the effect of sequence changes on RNA splicing suggest that this variant may disrupt the consensus splice site. In summary, the currently available evidence indicates that the variant is pathogenic, but additional data are needed to prove that conclusively. Therefore, this variant has been classified as Likely Pathogenic.

Fulgent Genetics
Classification: Likely pathogenic for Nephrotic syndrome, type 3. Last evaluated: 2024-01-24. Review status: criteria provided, single submitter. Criteria: ACMG Guidelines, 2015. Collection method: clinical testing. Allele origin: germline.

Literature cited by the submitters: PubMed 16199547 (cited by Labcorp Genetics (formerly Invitae), Labcorp); PubMed 17086182 (cited by Labcorp Genetics (formerly Invitae), Labcorp); PubMed 20591883 (cited by Labcorp Genetics (formerly Invitae), Labcorp).

NM_016341.4(PLCE1):c.6132+1G>A

Gene: PLCE1 (phospholipase C epsilon 1; plus strand). Cytogenetic location: 10q23.33.
Variant type: single nucleotide variant.
Coding change: c.6132+1G>A on transcript NM_016341.4 (MANE Select); the canonical splice donor site of the intron after coding-DNA position 6132, G replaced by A.
Molecular consequence: splice donor variant.
Genome position (GRCh38, 1-based): chr10:94,313,383, G>A. VCF-style: chr10-94313383-G-A. GRCh37 (hg19) VCF-style: chr10-96073140-G-A.
Other names: c.6084+1G>A (NM_001288989.2); c.5208+1G>A (NM_001165979.2).
Identifiers: ClinVar variation 3598720 (VCV003598720.2).